The following is an entry in ClinVar:

ClinVar aggregate classification (germline): Uncertain significance. Review status: criteria provided, multiple submitters, no conflicts (2 of 4 stars). 2 submissions from 2 submitters: Uncertain significance (2). Last evaluated 2025-06-06.

Conditions:
Inborn genetic diseases. Identifiers: MedGen C0950123, MeSH D030342.
Mosaic variegated aneuploidy syndrome 2 (MVA2). Identifiers: Orphanet 1052, MedGen C3279843, MONDO:0013582, OMIM 614114.

Allele frequency attached by ClinVar (database versions not stated): gnomAD exomes below 0.00001.
gnomAD v4.1: 5 of 1,614,008 alleles (0.00031%); highest among the groups gnomAD compares: Admixed American, 0.0017%; no homozygotes.

Submissions (2):

Ambry Genetics
Classification: Uncertain significance for Inborn genetic diseases. Last evaluated: 2025-06-06. Review status: criteria provided, single submitter. Criteria: Ambry Variant Classification Scheme 2023. Collection method: clinical testing. Allele origin: germline.
Comment: The p.M227T variant (also known as c.680T>C), located in coding exon 6 of the CEP57 gene, results from a T to C substitution at nucleotide position 680. The methionine at codon 227 is replaced by threonine, an amino acid with similar properties. This amino acid position is conserved. In addition, this alteration is predicted to be tolerated by in silico analysis. Based on the available evidence, the clinical significance of this variant remains unclear.

Labcorp Genetics (formerly Invitae), Labcorp
Classification: Uncertain significance for Mosaic variegated aneuploidy syndrome 2. Last evaluated: 2019-09-30. Review status: criteria provided, single submitter. Criteria: Invitae Variant Classification Sherloc (09022015). Collection method: clinical testing. Allele origin: germline.
Comment: This variant is not present in population databases (ExAC no frequency). In summary, the available evidence is currently insufficient to determine the role of this variant in disease. Therefore, it has been classified as a Variant of Uncertain Significance. Algorithms developed to predict the effect of missense changes on protein structure and function are either unavailable or do not agree on the potential impact of this missense change (SIFT: "Tolerated"; PolyPhen-2: "Possibly Damaging"; Align-GVGD: "Class C25"). This variant has not been reported in the literature in individuals with CEP57-related conditions. This sequence change replaces methionine with threonine at codon 227 of the CEP57 protein (p.Met227Thr). The methionine residue is moderately conserved and there is a moderate physicochemical difference between methionine and threonine.

NM_014679.5(CEP57):c.680T>C (p.Met227Thr)

Gene: CEP57 (centrosomal protein 57; plus strand). Cytogenetic location: 11q21.
Variant type: single nucleotide variant.
Coding change: c.680T>C on transcript NM_014679.5 (MANE Select); coding-DNA position 680, T replaced by C.
Protein change: p.Met227Thr; replaces methionine 227 with threonine.
Molecular consequence: missense variant.
Genome position (GRCh38, 1-based): chr11:95,818,885, T>C. VCF-style: chr11-95818885-T-C. GRCh37 (hg19) VCF-style: chr11-95552049-T-C.
Other names: c.653T>C, p.Met218Thr (NM_001243776.2); c.680T>C, p.Met227Thr (NM_001243777.2); c.599T>C, p.Met200Thr (NM_001363604.2); short protein forms M200T, M227T, M218T.
Identifiers: ClinVar variation 956588 (VCV000956588.10), dbSNP rs1338577560, ClinGen allele CA382424037.